The following is an entry in ClinVar:

NM_147127.5(EVC2):c.30C>T (p.Pro10=)

Gene: EVC2 (EvC ciliary complex subunit 2; minus strand). Cytogenetic location: 4p16.2.
Variant type: single nucleotide variant.
Coding change: c.30C>T on transcript NM_147127.5 (MANE Select); coding-DNA position 30, C replaced by T.
Protein change: p.Pro10=; no amino-acid change (proline 10 retained).
Molecular consequence: synonymous variant. On other transcripts: intron variant (1).
Genome position (GRCh38, 1-based): chr4:5,708,484, G>A on the plus strand (C>T on the coding strand, the complement: EVC2 is on the minus strand). VCF-style: chr4-5708484-G-A. GRCh37 (hg19) VCF-style: chr4-5710211-G-A.
Other names: c.-13+345C>T (NM_001166136.2).
Identifiers: ClinVar variation 1136845 (VCV001136845.25), dbSNP rs1193570001, ClinGen allele CA438206227.

ClinVar aggregate classification (germline): Likely benign. Review status: criteria provided, multiple submitters, no conflicts (2 of 4 stars). 2 submissions from 2 submitters: Likely benign (2). Last evaluated 2024-11-01.

Conditions:
Curry-Hall syndrome (WAD). Also called: WEYERS ACRODENTAL DYSOSTOSIS. Identifiers: Orphanet 952, MedGen C0457013, MONDO:0008673, OMIM 193530.
Ellis-van Creveld syndrome (EVC). Also called: MESOECTODERMAL DYSPLASIA; Chondroectodermal dysplasia. Identifiers: Orphanet 289, MedGen C0013903, MONDO:0009162, OMIM 225500.

Allele frequency attached by ClinVar (database versions not stated): gnomAD exomes 0.00001; TOPMed 0.00002; gnomAD 0.00003 and 0.00004.
gnomAD v4.1: 19 of 1,485,768 alleles (0.0013%); highest among the groups gnomAD compares: Non-Finnish European, 0.0017%; no homozygotes.

Submissions (2):

CeGaT Center for Human Genetics Tuebingen
Classification: Likely benign. Last evaluated: 2024-11-01. Review status: criteria provided, single submitter. Criteria: CeGaT Center For Human Genetics Tuebingen Variant Classification Criteria Version 2. Collection method: clinical testing. Allele origin: germline. Affected: yes. Observed: 1 variant allele.
Comment: EVC2: BP4, BP7

Labcorp Genetics (formerly Invitae), Labcorp
Classification: Likely benign for Curry-Hall syndrome; Ellis-van Creveld syndrome. Last evaluated: 2024-01-07. Review status: criteria provided, single submitter. Criteria: Invitae Variant Classification Sherloc (09022015). Collection method: clinical testing. Allele origin: germline.